The following is an entry in ClinVar:

ClinVar aggregate classification (germline): Conflicting classifications of pathogenicity. Review status: criteria provided, conflicting classifications (1 of 4 stars). 3 submissions from 3 submitters: Uncertain significance (1); Likely benign (1). 1 of the submissions does not count toward it. Last evaluated 2026-01-25.

Conditions:
Inborn genetic diseases. Identifiers: MedGen C0950123, MeSH D030342.
Epidermolysis bullosa dystrophica inversa, autosomal recessive. Identifiers: MedGen C2673612.

Allele frequency attached by ClinVar (database versions not stated): gnomAD exomes 0.00002 and 0.00009; gnomAD 0.00003; TOPMed 0.00005; ExAC 0.00007.
gnomAD v4.1: 30 of 1,613,966 alleles (0.0019%); highest among the groups gnomAD compares: Admixed American, 0.047%; no homozygotes.

Submissions (3):

Labcorp Genetics (formerly Invitae), Labcorp
Classification: Likely benign. Last evaluated: 2026-01-25. Review status: criteria provided, single submitter. Criteria: Invitae Variant Classification Sherloc (09022015). Collection method: clinical testing. Allele origin: germline.

Ambry Genetics
Classification: Uncertain significance for Inborn genetic diseases. Last evaluated: 2025-12-11. Review status: criteria provided, single submitter. Criteria: Ambry Variant Classification Scheme 2023. Collection method: clinical testing. Allele origin: germline.
Comment: The c.1936G>C (p.D646H) alteration is located in exon 15 (coding exon 15) of the COL7A1 gene. This alteration results from a G to C substitution at nucleotide position 1936, causing the aspartic acid (D) at amino acid position 646 to be replaced by a histidine (H). Based on data from gnomAD, the C allele has an overall frequency of 0.009% (22/250924) total alleles studied. The highest observed frequency was 0.064% (22/34560) of Latino alleles. Based on insufficient or conflicting evidence, the clinical significance of this alteration remains unclear.

Natera, Inc.
Classification: Uncertain significance for Autosomal recessive epidermolysis bullosa dystrophica inversa. Last evaluated: 2020-09-23. Review status: no assertion criteria provided. Collection method: clinical testing. Allele origin: germline. Not counted in ClinVar's aggregate classification.

NM_000094.4(COL7A1):c.1936G>C (p.Asp646His)

Gene: COL7A1 (collagen type VII alpha 1 chain; minus strand). Cytogenetic location: 3p21.31.
Variant type: single nucleotide variant.
Coding change: c.1936G>C on transcript NM_000094.4 (MANE Select); coding-DNA position 1936, G replaced by C.
Protein change: p.Asp646His; replaces aspartic acid 646 with histidine.
Molecular consequence: missense variant.
Genome position (GRCh38, 1-based): chr3:48,590,327, C>G on the plus strand (G>C on the coding strand, the complement: COL7A1 is on the minus strand). VCF-style: chr3-48590327-C-G. GRCh37 (hg19) VCF-style: chr3-48627760-C-G.
Other names: c.1936G>C (NM_000094.3); short protein forms D646H.
Identifiers: ClinVar variation 990865 (VCV000990865.9), dbSNP rs765663530, ClinGen allele CA2381054.
Genomic context (GRCh38, chr3:48,590,327, plus strand): 5'-ACACAGCCACCTGGTAGGTGGTTCCAGGCTGCAGCCCTGTGATGTCTGTGGCAGTAGAGT[C>G]TGGGGGCAGTGTCTGGCTGGACTCCGGACCTGAGGTCAGAGGGAAATGCTGGCATGGCTC-3'
Protein context (NP_000085.1, residues 636-656): GPESSQTLPP[Asp646His]STATDITGLQ